The following is an entry in ClinVar:

NM_000202.8(IDS):c.682C>G (p.Pro228Ala)

Genes: IDS (iduronate 2-sulfatase; minus strand), LOC106050102 (IDS recombination region; plus strand). Cytogenetic location: Xq28.
Variant type: single nucleotide variant.
Coding change: c.682C>G on transcript NM_000202.8 (MANE Select); coding-DNA position 682, C replaced by G.
Protein change: p.Pro228Ala; replaces proline 228 with alanine.
Molecular consequence: missense variant. On other transcripts: non-coding transcript variant (1).
Genome position (GRCh38, 1-based): chrX:149,498,133, G>C on the plus strand (C>G on the coding strand, the complement: IDS is on the minus strand). VCF-style: chrX-149498133-G-C. GRCh37 (hg19) VCF-style: chrX-148579664-G-C.
Other names: c.412C>G, p.Pro138Ala (NM_001166550.4); c.682C>G, p.Pro228Ala (NM_006123.5); short protein forms P138A, P228A.
Identifiers: ClinVar variation 3255800 (VCV003255800.2).
Genomic context (GRCh38, chrX:149,498,133, plus strand): 5'-GCTGTGCTGGATCAGCCCTCAACCAGCTCTTCACCTTGGGGTATCTGAAGGGGATGTGTG[G>C]CTTATGATACCCAACGGCCAGGAAGAAAGGACTGGCTGACGTTTTCATCTTTTCCAACAA-3'
Protein context (NP_000193.1, residues 218-238): PFFLAVGYHK[Pro228Ala]HIPFRYPKEF

ClinVar aggregate classification (germline): Likely pathogenic (1 of 4 stars; one submission).

Conditions:
Mucopolysaccharidosis, MPS-II (MPS2). Also called: Hunter Syndrome; IDURONATE 2-SULFATASE DEFICIENCY; Mucopolysaccharidosis Type II; Mucopolysaccharidosis type 2; Attenuated MPS (subtype; formerly known as mild MPS II); Severe MPS II. Identifiers: Orphanet 580, Orphanet 79388, MedGen C0026705, MONDO:0010674, OMIM 309900.

Submission:

Laboratory of Diagnosis and Therapy of Lysosomal Disorders, University of Padova
Classification: Likely pathogenic for Mucopolysaccharidosis, MPS-II. Last evaluated: 2024-06-07. Review status: criteria provided, single submitter. Criteria: ACMG Guidelines, 2015. Collection method: literature only. Allele origin: germline. Affected: yes. Observed: 1 variant allele.
Comment: Absent from controls (or at low frequency) in gnomAD database (PM2_Moderate), Missense variant in a gene with a low rate of benign missense variation (PP2_Supporting), Multiple lines of computational evidence support a deleterious effect (PP3_Supporting), Patient’s phenotype or family history highly specific for the disease (PP4_Moderate)

Classification method: ACMG Guidelines [PMID:25741868] with modifications

Literature cited by the submitters: PubMed 21291454.